The following is an entry in ClinVar:

NM_144997.7(FLCN):c.438G>A (p.Glu146=)

Gene: FLCN (folliculin; minus strand). Cytogenetic location: 17p11.2.
Variant type: single nucleotide variant.
Coding change: c.438G>A on transcript NM_144997.7 (MANE Select); coding-DNA position 438, G replaced by A.
Protein change: p.Glu146=; no amino-acid change (glutamic acid 146 retained).
Molecular consequence: synonymous variant.
Genome position (GRCh38, 1-based): chr17:17,224,102, C>T on the plus strand (G>A on the coding strand, the complement: FLCN is on the minus strand). VCF-style: chr17-17224102-C-T. GRCh37 (hg19) VCF-style: chr17-17127416-C-T.
Other names: c.492G>A, p.Glu164= (NM_001353229.2); c.438G>A, p.Glu146= (NM_001353230.2, NM_001353231.2, NM_144606.7).
Identifiers: ClinVar variation 2905787 (VCV002905787.4), dbSNP rs1436241104, ClinGen allele CA498166655.

ClinVar aggregate classification (germline): Benign/Likely benign. Review status: criteria provided, multiple submitters, no conflicts (2 of 4 stars). 2 submissions from 2 submitters: Benign (1); Likely benign (1). Last evaluated 2024-10-22.

Conditions:
Birt-Hogg-Dube syndrome 1 (BHD1). Also called: FIBROFOLLICULOMAS WITH TRICHODISCOMAS AND ACROCHORDONS. Identifiers: Orphanet 122, MedGen CN375946, MONDO:0800445, OMIM 135150.
Birt-Hogg-Dube syndrome. Also called: Birt Hogg Dubé syndrome. Identifiers: Orphanet 122, MedGen C0346010, MONDO:0800444.

Allele frequency attached by ClinVar (database versions not stated): gnomAD exomes below 0.00001.
gnomAD v4.1: 1 of 1,609,340 alleles (0.000062%); highest among the groups gnomAD compares: Non-Finnish European, 0.000085%; no homozygotes.

Submissions (2):

Myriad Genetics, Inc.
Classification: Benign for Birt-Hogg-Dube syndrome 1. Last evaluated: 2024-10-22. Review status: criteria provided, single submitter. Criteria: Myriad Autosomal Dominant, Autosomal Recessive and X-Linked Classification Criteria (2023). Collection method: clinical testing. Allele origin: unknown.
Comment: This variant is considered benign. This variant is a silent/synonymous amino acid change and it is not expected to impact splicing.

Labcorp Genetics (formerly Invitae), Labcorp
Classification: Likely benign for Birt-Hogg-Dube syndrome. Last evaluated: 2023-10-05. Review status: criteria provided, single submitter. Criteria: Invitae Variant Classification Sherloc (09022015). Collection method: clinical testing. Allele origin: germline.